The following is an entry in ClinVar:

ClinVar aggregate classification (germline): Conflicting classifications of pathogenicity. Review status: criteria provided, conflicting classifications (1 of 4 stars). 2 submissions from 2 submitters: Likely pathogenic (1); Uncertain significance (1). Last evaluated 2025-02-21.

Conditions:
Congenital adrenal hyperplasia. Identifiers: Orphanet 418, MedGen C0001627, MONDO:0018479, HP:0008258.
Glucocorticoid-remediable aldosteronism. Also called: FH I; GLUCOCORTICOID-SUPPRESSIBLE HYPERALDOSTERONISM; Hyperaldosteronism, familial, type I; ALDOSTERONISM, SENSITIVE TO DEXAMETHASONE; ACTH-DEPENDENT HYPERALDOSTERONISM SYNDROME. Identifiers: Orphanet 403, MedGen C3838731, MONDO:0007080, OMIM 103900.
Deficiency of steroid 11-beta-monooxygenase (CYP11B1). Also called: Congenital adrenal hyperplasia due to 11-beta-hydroxylase deficiency; ADRENAL HYPERPLASIA, CONGENITAL, DUE TO STEROID 11-BETA-HYDROXYLASE DEFICIENCY; 11-BETA-HYDROXYLASE DEFICIENCY; P450C11B1 DEFICIENCY; STEROID 11-BETA-HYDROXYLASE DEFICIENCY; ADRENAL HYPERPLASIA IV. Identifiers: Orphanet 90795, MedGen C0268292, MONDO:0008729, OMIM 202010. Disease mechanism: loss of function.

Submissions (2):

Women's Health and Genetics/Laboratory Corporation of America, LabCorp
Classification: Likely pathogenic for Congenital adrenal hyperplasia. Last evaluated: 2025-02-21. Review status: criteria provided, single submitter. Criteria: LabCorp Variant Classification Summary - May 2015. Collection method: clinical testing. Allele origin: germline.
Comment: Variant summary: CYP11B1 c.1361G>C (p.Arg454Pro) results in a non-conservative amino acid change in the encoded protein sequence. Four of five in-silico tools predict a damaging effect of the variant on protein function. The variant was absent in 251224 control chromosomes (gnomAD). c.1361G>C has been reported in the literature in an individuals affected with Congenital Adrenal Hyperplasia (Kennedy_2024). Two different variant affecting the same codon has been classified as pathogenic by our lab (Arg454His/Cys), supporting the critical relevance of codon 454 to CYP11B1 protein function. To our knowledge, no experimental evidence demonstrating an impact on protein function has been reported. The following publication have been ascertained in the context of this evaluation (PMID: 39295130). ClinVar contains an entry for this variant (Variation ID: 2577308). Based on the evidence outlined above, the variant was classified as likely pathogenic.

Fulgent Genetics
Classification: Uncertain significance for Glucocorticoid-remediable aldosteronism; Deficiency of steroid 11-beta-monooxygenase. Last evaluated: 2024-03-27. Review status: criteria provided, single submitter. Criteria: ACMG Guidelines, 2015. Collection method: clinical testing. Allele origin: germline.

Literature cited by the submitters: PubMed 39295130 (cited by Women's Health and Genetics/Laboratory Corporation of America, LabCorp).

NM_000497.4(CYP11B1):c.1361G>C (p.Arg454Pro)

Genes: CYP11B1 (cytochrome P450 family 11 subfamily B member 1; minus strand), LOC106799833 (CYP11B1 recombination region; plus strand). Cytogenetic location: 8q24.3.
Variant type: single nucleotide variant.
Coding change: c.1361G>C on transcript NM_000497.4 (MANE Select); coding-DNA position 1361, G replaced by C.
Protein change: p.Arg454Pro; replaces arginine 454 with proline.
Molecular consequence: missense variant. On other transcripts: intron variant (1).
Genome position (GRCh38, 1-based): chr8:142,874,994, C>G on the plus strand (G>C on the coding strand, the complement: CYP11B1 is on the minus strand). VCF-style: chr8-142874994-C-G. GRCh37 (hg19) VCF-style: chr8-143956410-C-G.
Other names: c.1200+240G>C (NM_001026213.1); short protein forms R454P.
Identifiers: ClinVar variation 2577308 (VCV002577308.3), dbSNP rs367634557, ClinGen allele CA372391375.
Genomic context (GRCh38, chr8:142,874,994, plus strand): 5'-CTCCCCAGCCCGGGCCTGCTCACATGGTGCAGCAGCAGCAGCATCTCTGCCTCTGCCAGG[C>G]GCCGCCCAAGGCACTGGCGCATGCCAAAGCCAAAGGGCACGTGGTAGAAGTTCCTGCCGG-3'
Protein context (NP_000488.3, residues 444-464): GFGMRQCLGR[Arg454Pro]LAEAEMLLLL